The following is an entry in ClinVar:

ClinVar aggregate classification (germline): Uncertain significance (1 of 4 stars; one submission).

gnomAD v4.1: 16 of 1,600,922 alleles (0.001%); highest among the groups gnomAD compares: African/African-American, 0.0053%; no homozygotes.

Submission:

Women's Health and Genetics/Laboratory Corporation of America, LabCorp
Classification: Uncertain significance. Last evaluated: 2025-04-23. Review status: criteria provided, single submitter. Criteria: LabCorp Variant Classification Summary - May 2015. Collection method: clinical testing. Allele origin: germline.
Comment: Variant summary: IGFALS c.148G>A (p.Asp50Asn) results in a conservative amino acid change in the encoded protein sequence. Three of five in-silico tools predict a damaging effect of the variant on protein function. The variant allele was found at a frequency of 8.7e-06 in 231050 control chromosomes. The available data on variant occurrences in the general population are insufficient to allow any conclusion about variant significance. To our knowledge, no occurrence of c.148G>A in individuals affected with Short Stature Due To Primary Acid-Labile Subunit Deficiency and no experimental evidence demonstrating its impact on protein function have been reported. No submitters have cited clinical-significance assessments for this variant to ClinVar. Based on the evidence outlined above, the variant was classified as uncertain significance.

NM_004970.3(IGFALS):c.148G>A (p.Asp50Asn)

Gene: IGFALS (insulin like growth factor binding protein acid labile subunit; minus strand). Cytogenetic location: 16p13.3.
Variant type: single nucleotide variant.
Coding change: c.148G>A on transcript NM_004970.3 (MANE Select); coding-DNA position 148, G replaced by A.
Protein change: p.Asp50Asn; replaces aspartic acid 50 with asparagine.
Molecular consequence: missense variant. On other transcripts: non-coding transcript variant (1).
Genome position (GRCh38, 1-based): chr16:1,792,270, C>T on the plus strand (G>A on the coding strand, the complement: IGFALS is on the minus strand). VCF-style: chr16-1792270-C-T. GRCh37 (hg19) VCF-style: chr16-1842271-C-T.
Other names: c.262G>A, p.Asp88Asn (NM_001146006.2); short protein forms D50N, D88N.
Identifiers: ClinVar variation 3896681 (VCV003896681.2).